The following is an entry in ClinVar:

ClinVar aggregate classification (germline): Uncertain significance (1 of 4 stars; one submission).

gnomAD v4.1: 2 of 1,614,094 alleles (0.00012%); highest among the groups gnomAD compares: East Asian, 0.0022%; no homozygotes.

Submission:

Labcorp Genetics (formerly Invitae), Labcorp
Classification: Uncertain significance. Last evaluated: 2025-12-01. Review status: criteria provided, single submitter. Criteria: Invitae Variant Classification Sherloc (09022015). Collection method: clinical testing. Allele origin: germline.
Comment: This sequence change replaces lysine, which is basic and polar, with glutamine, which is neutral and polar, at codon 326 of the TET2 protein (p.Lys326Gln). This variant is not present in population databases (gnomAD no frequency). This variant has not been reported in the literature in individuals affected with TET2-related conditions. An algorithm developed to predict the effect of missense changes on protein structure and function outputs the following: PolyPhen-2: "Benign". The glutamine amino acid residue is found in multiple mammalian species, which suggests that this missense change does not adversely affect protein function. In summary, the available evidence is currently insufficient to determine the role of this variant in disease. Therefore, it has been classified as a Variant of Uncertain Significance.

NM_001127208.3(TET2):c.976A>C (p.Lys326Gln)

Genes: TET2 (tet methylcytosine dioxygenase 2; plus strand), TET2-AS1 (TET2 antisense RNA 1; minus strand). Cytogenetic location: 4q24.
Variant type: single nucleotide variant.
Coding change: c.976A>C on transcript NM_001127208.3 (MANE Select); coding-DNA position 976, A replaced by C.
Protein change: p.Lys326Gln; replaces lysine 326 with glutamine.
Molecular consequence: missense variant.
Genome position (GRCh38, 1-based): chr4:105,234,918, A>C. VCF-style: chr4-105234918-A-C. GRCh37 (hg19) VCF-style: chr4-106156075-A-C.
Other names: c.976A>C, p.Lys326Gln (NM_017628.4); short protein forms K326Q.
Identifiers: ClinVar variation 4693673 (VCV004693673.1).
Genomic context (GRCh38, chr4:105,234,918, plus strand): 5'-AAACTAGCTGCAATGCTAAATACCTGTTCCTTTCAGAAACCAGAACAACTACAACAACAA[A>C]AATCAGTTTTTGAGATATGCCCATCTCCTGCAGAAAATAACATCCAGGGAACCACAAAGC-3'
Protein context (NP_001120680.1, residues 316-336): FQKPEQLQQQ[Lys326Gln]SVFEICPSPA